The following is an entry in ClinVar:

ClinVar aggregate classification (germline): Uncertain significance. Review status: criteria provided, multiple submitters, no conflicts (2 of 4 stars). 2 submissions from 2 submitters: Uncertain significance (2). Last evaluated 2026-04-02.

Conditions:
Hereditary sensory and autonomic neuropathy type 1 (HSAN1). Also called: HSAN 1; HSN Type I; Hereditary Sensory Neuropathy Type I. Identifiers: Orphanet 36386, MedGen C0020071, MONDO:0018213.

Allele frequency attached by ClinVar (database versions not stated): gnomAD exomes below 0.00001 and 0.00002.
gnomAD v4.1: 30 of 1,613,318 alleles (0.0019%); highest among the groups gnomAD compares: Non-Finnish European, 0.0025%; no homozygotes.

Submissions (2):

GeneDx
Classification: Uncertain significance. Last evaluated: 2026-04-02. Review status: criteria provided, single submitter. Criteria: GeneDx Variant Classification Process June 2021. Collection method: clinical testing. Allele origin: germline.
Comment: Not observed at significant frequency in large population cohorts (gnomAD); In silico analysis supports a deleterious effect on splicing; In silico analysis supports that this missense variant has a deleterious effect on protein structure/function; Has not been previously published as pathogenic or benign to our knowledge

Labcorp Genetics (formerly Invitae), Labcorp
Classification: Uncertain significance for Hereditary sensory and autonomic neuropathy type 1. Last evaluated: 2024-08-20. Review status: criteria provided, single submitter. Criteria: Invitae Variant Classification Sherloc (09022015). Collection method: clinical testing. Allele origin: germline.
Comment: This sequence change replaces lysine, which is basic and polar, with asparagine, which is neutral and polar, at codon 230 of the SPTLC1 protein (p.Lys230Asn). This variant also falls at the last nucleotide of exon 7, which is part of the consensus splice site for this exon. This variant is present in population databases (no rsID available, gnomAD 0.0009%). This variant has not been reported in the literature in individuals affected with SPTLC1-related conditions. ClinVar contains an entry for this variant (Variation ID: 1054279). An algorithm developed to predict the effect of missense changes on protein structure and function (PolyPhen-2) suggests that this variant is likely to be disruptive. Variants that disrupt the consensus splice site are a relatively common cause of aberrant splicing (PMID: 17576681, 9536098). Algorithms developed to predict the effect of sequence changes on RNA splicing suggest that this variant may disrupt the consensus splice site. In summary, the available evidence is currently insufficient to determine the role of this variant in disease. Therefore, it has been classified as a Variant of Uncertain Significance.

Literature cited by the submitters: PubMed 17576681 (cited by Labcorp Genetics (formerly Invitae), Labcorp); PubMed 9536098 (cited by Labcorp Genetics (formerly Invitae), Labcorp).

NM_006415.4(SPTLC1):c.690G>C (p.Lys230Asn)

Gene: SPTLC1 (serine palmitoyltransferase long chain base subunit 1; minus strand). Cytogenetic location: 9q22.31.
Variant type: single nucleotide variant.
Coding change: c.690G>C on transcript NM_006415.4 (MANE Select); coding-DNA position 690, G replaced by C.
Protein change: p.Lys230Asn; replaces lysine 230 with asparagine.
Molecular consequence: missense variant.
Genome position (GRCh38, 1-based): chr9:92,059,179, C>G on the plus strand (G>C on the coding strand, the complement: SPTLC1 is on the minus strand). VCF-style: chr9-92059179-C-G. GRCh37 (hg19) VCF-style: chr9-94821461-C-G.
Other names: c.690G>C, p.Lys230Asn (NM_001281303.2); c.324G>C, p.Lys108Asn (NM_001368272.1); c.225G>C, p.Lys75Asn (NM_001368273.1); c.690G>C (NM_006415.2); short protein forms K108N, K230N, K75N.
Identifiers: ClinVar variation 1054279 (VCV001054279.10), dbSNP rs1321207825, ClinGen allele CA373795469.